The following is an entry in ClinVar:

NM_001854.4(COL11A1):c.5019T>G (p.Ser1673Arg)

Gene: COL11A1 (collagen type XI alpha 1 chain; minus strand). Cytogenetic location: 1p21.1.
Variant type: single nucleotide variant.
Coding change: c.5019T>G on transcript NM_001854.4 (MANE Select); coding-DNA position 5019, T replaced by G.
Protein change: p.Ser1673Arg; replaces serine 1673 with arginine.
Molecular consequence: missense variant. On other transcripts: non-coding transcript variant (1).
Genome position (GRCh38, 1-based): chr1:102,881,718, A>C on the plus strand (T>G on the coding strand, the complement: COL11A1 is on the minus strand). VCF-style: chr1-102881718-A-C. GRCh37 (hg19) VCF-style: chr1-103347274-A-C.
Other names: c.4671T>G, p.Ser1557Arg (NM_001168249.1, NM_080630.4); c.4902T>G, p.Ser1634Arg (NM_001190709.2); c.5055T>G, p.Ser1685Arg (NM_080629.3); short protein forms S1634R, S1673R, S1685R, S1557R.
Identifiers: ClinVar variation 2832635 (VCV002832635.3), dbSNP rs2524179559, ClinGen allele CA341211303.

ClinVar aggregate classification (germline): Uncertain significance (1 of 4 stars; one submission).

Submission:

Labcorp Genetics (formerly Invitae), Labcorp
Classification: Uncertain significance. Last evaluated: 2023-07-17. Review status: criteria provided, single submitter. Criteria: Invitae Variant Classification Sherloc (09022015). Collection method: clinical testing. Allele origin: germline.
Comment: In summary, the available evidence is currently insufficient to determine the role of this variant in disease. Therefore, it has been classified as a Variant of Uncertain Significance. Advanced modeling of protein sequence and biophysical properties (such as structural, functional, and spatial information, amino acid conservation, physicochemical variation, residue mobility, and thermodynamic stability) has been performed at Invitae for this missense variant, however the output from this modeling did not meet the statistical confidence thresholds required to predict the impact of this variant on COL11A1 protein function. This variant has not been reported in the literature in individuals affected with COL11A1-related conditions. This variant is not present in population databases (gnomAD no frequency). This sequence change replaces serine, which is neutral and polar, with arginine, which is basic and polar, at codon 1673 of the COL11A1 protein (p.Ser1673Arg).